The following is an entry in ClinVar:

ClinVar aggregate classification (germline): Likely benign (1 of 4 stars; one submission).

gnomAD v4.1: 65 of 1,534,896 alleles (0.0042%); highest among the groups gnomAD compares: Non-Finnish European, 0.0054%; no homozygotes.

Submission:

CeGaT Center for Human Genetics Tuebingen
Classification: Likely benign. Last evaluated: 2025-02-01. Review status: criteria provided, single submitter. Criteria: CeGaT Center For Human Genetics Tuebingen Variant Classification Criteria Version 2. Collection method: clinical testing. Allele origin: germline. Affected: yes. Observed: 1 variant allele.
Comment: ARHGEF1: BP4, BP7

NM_004706.4(ARHGEF1):c.*272G>A

Gene: ARHGEF1 (Rho guanine nucleotide exchange factor 1; plus strand). Cytogenetic location: 19q13.2.
Variant type: single nucleotide variant.
Coding change: c.*272G>A on transcript NM_004706.4 (MANE Select); 272 bases downstream of the stop codon, G replaced by A.
Molecular consequence: 3 prime UTR variant. On other transcripts: synonymous variant (2), non-coding transcript variant (1), intron variant (2).
Genome position (GRCh38, 1-based): chr19:41,907,359, G>A. VCF-style: chr19-41907359-G-A. GRCh37 (hg19) VCF-style: chr19-42411511-G-A.
Other names: c.*272G>A (NM_001396000.1, NM_198977.2, NM_199002.2); c.2748G>A, p.Gly916= (NM_001396004.1); c.2847G>A, p.Gly949= (NM_001396006.1); c.2592+556G>A (NM_001396003.1); c.2493+556G>A (NM_001396002.1).
Identifiers: ClinVar variation 3770753 (VCV003770753.13).